The following is an entry in ClinVar:

NM_001018005.2(TPM1):c.240+2dup

Gene: TPM1 (tropomyosin 1; plus strand). Cytogenetic location: 15q22.2.
Variant type: Duplication.
Coding change: c.240+2dup on transcript NM_001018005.2 (MANE Select); the canonical splice donor site of the intron after coding-DNA position 240, one base duplicated (T; older notation c.240+2dupT).
Molecular consequence: splice donor variant. On other transcripts: intron variant (10).
Genome position (GRCh38, 1-based): chr15:63,044,154, T duplicated. VCF-style (leftmost placement, unchanged base first): chr15-63044153-G-GT. GRCh37 (hg19) VCF-style: chr15-63336352-G-GT.
Other names: c.240+2dup (NM_001365777.1, NM_001407325.1, NM_001407330.1 and 10 more transcripts); c.366+2dup (NM_001407324.1, NM_001365778.1, NM_001407323.1 and 1 more transcripts); c.240+323dup (NM_001407332.1, NM_001407336.1, NM_001018020.2 and 7 more transcripts).
Identifiers: ClinVar variation 2757402 (VCV002757402.3), dbSNP rs2542432892, ClinGen allele CA2697550613.
Genomic context (GRCh38, chr15:63,044,153, plus strand): 5'-TCTGAGGCTCTCAAAGATGCCCAGGAGAAGCTGGAGCTGGCAGAGAAAAAGGCCACCGAT[G>GT]TAAGTGCACGCTCACACTGCTTCCCTCACCTCTTGCCTGCGTGGCCACTCCGGGGTCACC-3'

ClinVar aggregate classification (germline): Uncertain significance (1 of 4 stars; one submission).

Conditions:
Hypertrophic cardiomyopathy. Also called: HYPERTROPHIC MYOCARDIOPATHY. Identifiers: Orphanet 217569, MedGen C0007194, MeSH D002312, MONDO:0005045, HP:0001639.

Submission:

Labcorp Genetics (formerly Invitae), Labcorp
Classification: Uncertain significance for Hypertrophic cardiomyopathy. Last evaluated: 2023-09-03. Review status: criteria provided, single submitter. Criteria: Invitae Variant Classification Sherloc (09022015). Collection method: clinical testing. Allele origin: germline.
Comment: This variant has not been reported in the literature in individuals affected with TPM1-related conditions. This variant is not present in population databases (gnomAD no frequency). This sequence change affects a donor splice site in intron 2 of the TPM1 gene It affects a nucleotide within the consensus splice site. In summary, the available evidence is currently insufficient to determine the role of this variant in disease. Therefore, it has been classified as a Variant of Uncertain Significance. Variants that disrupt the consensus splice site are a relatively common cause of aberrant splicing (PMID: 17576681, 9536098). Algorithms developed to predict the effect of sequence changes on RNA splicing suggest that this variant may disrupt the consensus splice site.

Literature cited by the submitters: PubMed 17576681; PubMed 9536098.